The following is an entry in ClinVar:

ClinVar aggregate classification (germline): Pathogenic. Review status: criteria provided, multiple submitters, no conflicts (2 of 4 stars). 4 submissions from 4 submitters: Pathogenic (3). 1 of the submissions does not count toward it. Last evaluated 2022-03-08.

Conditions:
Nemaline myopathy 10 (NEM10). Identifiers: MedGen C4015360, MONDO:0014513, OMIM 616165.

Allele frequency attached by ClinVar (database versions not stated): TOPMed 0.00002; gnomAD exomes 0.00002.
gnomAD v4.1: 23 of 1,611,940 alleles (0.0014%); highest among the groups gnomAD compares: Non-Finnish European, 0.0019%; no homozygotes.

Submissions (4):

Labcorp Genetics (formerly Invitae), Labcorp
Classification: Pathogenic for Nemaline myopathy 10. Last evaluated: 2022-03-08. Review status: criteria provided, single submitter. Criteria: Invitae Variant Classification Sherloc (09022015). Collection method: clinical testing. Allele origin: germline.
Comment: Algorithms developed to predict the effect of missense changes on protein structure and function are either unavailable or do not agree on the potential impact of this missense change (SIFT: "Deleterious"; PolyPhen-2: "Probably Damaging"; Align-GVGD: "Class C15"). For these reasons, this variant has been classified as Pathogenic. ClinVar contains an entry for this variant (Variation ID: 374498). This missense change has been observed in individual(s) with nemaline myopathy (PMID: 30291184). This variant is not present in population databases (gnomAD no frequency). This sequence change replaces leucine, which is neutral and non-polar, with phenylalanine, which is neutral and non-polar, at codon 550 of the LMOD3 protein (p.Leu550Phe).

CeGaT Center for Human Genetics Tuebingen
Classification: Pathogenic. Last evaluated: 2020-08-01. Review status: criteria provided, single submitter. Criteria: CeGaT Center For Human Genetics Tuebingen Variant Classification Criteria Version 2. Collection method: clinical testing. Allele origin: germline. Affected: yes. Observed: 1 variant allele.

Institute of Human Genetics Munich, TUM University Hospital
Classification: Pathogenic for Nemaline myopathy 10. Last evaluated: 2020-01-16. Review status: criteria provided, single submitter. Criteria: Classification criteria August 2017. Collection method: clinical testing. Allele origin: inherited. Inheritance: Autosomal recessive inheritance. Affected: yes. Observed: 1 homozygote.

OMIM
Classification: Pathogenic for NEMALINE MYOPATHY 10. Last evaluated: 2019-02-11. Review status: no assertion criteria provided. Collection method: literature only. Allele origin: germline. Not counted in ClinVar's aggregate classification.

Literature cited by the submitters: PubMed 30291184 (cited by Labcorp Genetics (formerly Invitae), Labcorp and OMIM).

NM_198271.5(LMOD3):c.1648C>T (p.Leu550Phe)

Gene: LMOD3 (leiomodin 3; minus strand). Cytogenetic location: 3p14.1.
Variant type: single nucleotide variant.
Coding change: c.1648C>T on transcript NM_198271.5 (MANE Select); coding-DNA position 1648, C replaced by T.
Protein change: p.Leu550Phe; replaces leucine 550 with phenylalanine.
Molecular consequence: missense variant.
Genome position (GRCh38, 1-based): chr3:69,118,707, G>A on the plus strand (C>T on the coding strand, the complement: LMOD3 is on the minus strand). VCF-style: chr3-69118707-G-A. GRCh37 (hg19) VCF-style: chr3-69167858-G-A.
Other names: c.1648C>T, p.Leu550Phe (NM_001304418.3); short protein forms L550F.
Identifiers: ClinVar variation 374498 (VCV000374498.52), dbSNP rs1057519128, ClinGen allele CA16043765.
Genomic context (GRCh38, chr3:69,118,707, plus strand): 5'-TGCATTTACTATGGAGGGTGCTCAGTCACCATTTCTCCCTCCTTCTACTTACAGGTTTAA[G>A]ATAGGCGACACTGCTGTGACGAATGTCGTTTAGCAGCTGATCTCTGGGAGTGATTTCCAC-3'
Protein context (NP_938012.2, residues 540-560): NDIRHSSVAY[Leu550Phe]KPVQLPKELA